The following is an entry in ClinVar:

ClinVar aggregate classification (germline): Uncertain significance (1 of 4 stars; one submission).

Submission:

Labcorp Genetics (formerly Invitae), Labcorp
Classification: Uncertain significance. Last evaluated: 2025-08-19. Review status: criteria provided, single submitter. Criteria: Invitae Variant Classification Sherloc (09022015). Collection method: clinical testing. Allele origin: germline.
Comment: This sequence change replaces isoleucine, which is neutral and non-polar, with leucine, which is neutral and non-polar, at codon 683 of the EFL1 protein (p.Ile683Leu). This variant is not present in population databases (gnomAD no frequency). This variant has not been reported in the literature in individuals affected with EFL1-related conditions. Invitae Evidence Modeling of protein sequence and biophysical properties (such as structural, functional, and spatial information, amino acid conservation, physicochemical variation, residue mobility, and thermodynamic stability) indicates that this missense variant is not expected to disrupt EFL1 protein function with a negative predictive value of 80%. In summary, the available evidence is currently insufficient to determine the role of this variant in disease. Therefore, it has been classified as a Variant of Uncertain Significance.

NM_024580.6(EFL1):c.2047A>C (p.Ile683Leu)

Gene: EFL1 (elongation factor like GTPase 1; minus strand). Cytogenetic location: 15q25.2.
Variant type: single nucleotide variant.
Coding change: c.2047A>C on transcript NM_024580.6 (MANE Select); coding-DNA position 2047, A replaced by C.
Protein change: p.Ile683Leu; replaces isoleucine 683 with leucine.
Molecular consequence: missense variant. On other transcripts: non-coding transcript variant (1).
Genome position (GRCh38, 1-based): chr15:82,152,407, T>G on the plus strand (A>C on the coding strand, the complement: EFL1 is on the minus strand). VCF-style: chr15-82152407-T-G. GRCh37 (hg19) VCF-style: chr15-82444748-T-G.
Other names: c.1894A>C, p.Ile632Leu (NM_001040610.3); c.1258A>C, p.Ile420Leu (NM_001322844.2); c.2047A>C, p.Ile683Leu (NM_001322845.2); short protein forms I420L, I632L, I683L.
Identifiers: ClinVar variation 4742615 (VCV004742615.1).